The following is an entry in ClinVar:

ClinVar aggregate classification (germline): Uncertain significance (1 of 4 stars; one submission).

Conditions:
Neutropenia, severe congenital, 1, autosomal dominant. Identifiers: MedGen C1859966, MONDO:0042490, OMIM 202700.
Cyclical neutropenia. Also called: Cyclic hematopoiesis; Cyclic Neutropenia. Identifiers: Orphanet 2686, MedGen C0221023, MONDO:0008090, OMIM 162800, HP:0040289. Disease mechanism: loss of function.

Allele frequency attached by ClinVar (database versions not stated): gnomAD 0.00001; gnomAD exomes 0.00001; ExAC 0.00003; TOPMed 0.00003; ESP Exome Variant Server 0.00008; 1000 Genomes Project 0.00020; 1000 Genomes Project 30x 0.00031.

Submission:

Labcorp Genetics (formerly Invitae), Labcorp
Classification: Uncertain significance for Neutropenia, severe congenital, 1, autosomal dominant; Cyclical neutropenia. Last evaluated: 2025-04-11. Review status: criteria provided, single submitter. Criteria: Invitae Variant Classification Sherloc (09022015). Collection method: clinical testing. Allele origin: germline.
Comment: This sequence change replaces phenylalanine, which is neutral and non-polar, with leucine, which is neutral and non-polar, at codon 99 of the ELANE protein (p.Phe99Leu). This variant is present in population databases (rs200627242, gnomAD 0.007%). This variant has not been reported in the literature in individuals affected with ELANE-related conditions. ClinVar contains an entry for this variant (Variation ID: 2063539). Invitae Evidence Modeling of protein sequence and biophysical properties (such as structural, functional, and spatial information, amino acid conservation, physicochemical variation, residue mobility, and thermodynamic stability) indicates that this missense variant is not expected to disrupt ELANE protein function with a negative predictive value of 95%. In summary, the available evidence is currently insufficient to determine the role of this variant in disease. Therefore, it has been classified as a Variant of Uncertain Significance.

NM_001972.4(ELANE):c.297C>G (p.Phe99Leu)

Gene: ELANE (elastase, neutrophil expressed; plus strand). Cytogenetic location: 19p13.3.
Variant type: single nucleotide variant.
Coding change: c.297C>G on transcript NM_001972.4 (MANE Select); coding-DNA position 297, C replaced by G.
Protein change: p.Phe99Leu; replaces phenylalanine 99 with leucine.
Molecular consequence: missense variant.
Genome position (GRCh38, 1-based): chr19:853,334, C>G. VCF-style: chr19-853334-C-G. GRCh37 (hg19) VCF-style: chr19-853334-C-G.
Other names: short protein forms F99L.
Identifiers: ClinVar variation 2063539 (VCV002063539.4), dbSNP rs200627242, ClinGen allele CA9025995.